The following is an entry in ClinVar:

ClinVar aggregate classification (germline): Uncertain significance. Review status: criteria provided, multiple submitters, no conflicts (2 of 4 stars). 2 submissions from 2 submitters: Uncertain significance (2). Last evaluated 2025-09-10.

Conditions:
Inborn genetic diseases. Identifiers: MedGen C0950123, MeSH D030342.

Allele frequency attached by ClinVar (database versions not stated): gnomAD exomes below 0.00001; TOPMed below 0.00001; gnomAD 0.00001.
gnomAD v4.1: 8 of 1,614,006 alleles (0.0005%); highest among the groups gnomAD compares: East Asian, 0.0022%; no homozygotes.

Submissions (2):

Ambry Genetics
Classification: Uncertain significance for Inborn genetic diseases. Last evaluated: 2025-09-10. Review status: criteria provided, single submitter. Criteria: Ambry Variant Classification Scheme 2023. Collection method: clinical testing. Allele origin: germline.

GeneDx
Classification: Uncertain significance. Last evaluated: 2019-07-22. Review status: criteria provided, single submitter. Criteria: GeneDx Variant Classification Process June 2021. Collection method: clinical testing. Allele origin: germline. Affected: yes.
Comment: In silico analysis, which includes protein predictors and evolutionary conservation, supports a deleterious effect; Has not been previously published as pathogenic or benign to our knowledge

NM_178170.3(NEK8):c.185A>G (p.Asn62Ser)

Gene: NEK8 (NIMA related kinase 8; plus strand). Cytogenetic location: 17q11.2.
Variant type: single nucleotide variant.
Coding change: c.185A>G on transcript NM_178170.3 (MANE Select); coding-DNA position 185, A replaced by G.
Protein change: p.Asn62Ser; replaces asparagine 62 with serine.
Molecular consequence: missense variant.
Genome position (GRCh38, 1-based): chr17:28,734,120, A>G. VCF-style: chr17-28734120-A-G. GRCh37 (hg19) VCF-style: chr17-27061138-A-G.
Other names: short protein forms N62S.
Identifiers: ClinVar variation 1307360 (VCV001307360.3), dbSNP rs1367917533, ClinGen allele CA398422402.